The following is an entry in ClinVar:

ClinVar aggregate classification (germline): Likely benign. Review status: criteria provided, multiple submitters, no conflicts (2 of 4 stars). 3 submissions from 3 submitters: Likely benign (2). 1 of the submissions does not count toward it. Last evaluated 2024-06-18.

Conditions:
CDH23-related disorder. Also called: CDH23-related condition; CDH23-related disorders.

Allele frequency attached by ClinVar (database versions not stated): gnomAD exomes below 0.00001; gnomAD 0.00001; TOPMed 0.00002.
gnomAD v4.1: 5 of 1,612,964 alleles (0.00031%); highest among the groups gnomAD compares: East Asian, 0.0089%; no homozygotes.

Submissions (3):

Blueprint Genetics
Classification: Likely benign. Last evaluated: 2024-06-18. Review status: criteria provided, single submitter. Criteria: ACMG Guidelines, 2015. Collection method: clinical testing. Allele origin: germline.

Labcorp Genetics (formerly Invitae), Labcorp
Classification: Likely benign. Last evaluated: 2024-01-17. Review status: criteria provided, single submitter. Criteria: Invitae Variant Classification Sherloc (09022015). Collection method: clinical testing. Allele origin: germline.

PreventionGenetics, part of Exact Sciences
Classification: Likely benign for CDH23-related condition. Last evaluated: 2019-02-26. Review status: no assertion criteria provided. Collection method: clinical testing. Allele origin: germline. Not counted in ClinVar's aggregate classification.
Comment: This variant is classified as likely benign based on ACMG/AMP sequence variant interpretation guidelines (Richards et al. 2015 PMID: 25741868, with internal and published modifications).

NM_022124.6(CDH23):c.9633+7C>T

Gene: CDH23 (cadherin related 23; plus strand). Cytogenetic location: 10q22.1.
Variant type: single nucleotide variant.
Coding change: c.9633+7C>T on transcript NM_022124.6 (MANE Select); 7 bases into the intron after coding-DNA position 9633, C replaced by T.
Molecular consequence: intron variant.
Genome position (GRCh38, 1-based): chr10:71,812,897, C>T. VCF-style: chr10-71812897-C-T. GRCh37 (hg19) VCF-style: chr10-73572654-C-T.
Other names: c.2913+7C>T (NM_001171933.1, NM_001171934.1); c.324+7C>T (NM_001171935.1, NM_001171936.1); c.9633+7C>T (NM_022124.5).
Identifiers: ClinVar variation 1096666 (VCV001096666.12), dbSNP rs975152782, ClinGen allele CA209444768.